The following is an entry in ClinVar:

NM_001142864.4(PIEZO1):c.4110C>T (p.Asp1370=)

Gene: PIEZO1 (piezo type mechanosensitive ion channel component 1 (Er blood group); minus strand). Cytogenetic location: 16q24.3.
Variant type: single nucleotide variant.
Coding change: c.4110C>T on transcript NM_001142864.4 (MANE Select); coding-DNA position 4110, C replaced by T.
Protein change: p.Asp1370=; no amino-acid change (aspartic acid 1370 retained).
Molecular consequence: synonymous variant.
Genome position (GRCh38, 1-based): chr16:88,725,468, G>A on the plus strand (C>T on the coding strand, the complement: PIEZO1 is on the minus strand). VCF-style: chr16-88725468-G-A. GRCh37 (hg19) VCF-style: chr16-88791876-G-A.
Other names: p.Asp1370=.
Identifiers: ClinVar variation 4684141 (VCV004684141.2).

ClinVar aggregate classification (germline): Benign/Likely benign. Review status: criteria provided, multiple submitters, no conflicts (2 of 4 stars). 2 submissions from 2 submitters: Benign (1); Likely benign (1). Last evaluated 2025-04-17.

gnomAD v4.1: 95 of 1,511,862 alleles (0.0063%); highest among the groups gnomAD compares: Non-Finnish European, 0.00062%; no homozygotes.

Submissions (2):

Mayo Clinic Laboratories, Mayo Clinic
Classification: Likely benign. Last evaluated: 2025-04-17. Review status: criteria provided, single submitter. Criteria: ACMG Guidelines, 2015. Collection method: clinical testing. Allele origin: germline. Observed: 1 variant allele.
Comment: BP4, BP7, PM2_supporting

Labcorp Genetics (formerly Invitae), Labcorp
Classification: Benign. Last evaluated: 2025-02-26. Review status: criteria provided, single submitter. Criteria: Invitae Variant Classification Sherloc (09022015). Collection method: clinical testing. Allele origin: germline.